The following is an entry in ClinVar:

ClinVar aggregate classification (germline): Uncertain significance (1 of 4 stars; one submission).

Conditions:
Gorlin syndrome. Also called: Nevoid Basal Cell Carcinoma Syndrome; Basal cell nevus syndrome. Identifiers: Orphanet 377, MedGen C0004779, MONDO:0007187.

Submission:

Labcorp Genetics (formerly Invitae), Labcorp
Classification: Uncertain significance for Gorlin syndrome. Last evaluated: 2023-04-19. Review status: criteria provided, single submitter. Criteria: Invitae Variant Classification Sherloc (09022015). Collection method: clinical testing. Allele origin: germline.
Comment: This variant has not been reported in the literature in individuals affected with PTCH1-related conditions. This variant is not present in population databases (gnomAD no frequency). This sequence change replaces lysine, which is basic and polar, with methionine, which is neutral and non-polar, at codon 464 of the PTCH1 protein (p.Lys464Met). In summary, the available evidence is currently insufficient to determine the role of this variant in disease. Therefore, it has been classified as a Variant of Uncertain Significance. Advanced modeling of protein sequence and biophysical properties (such as structural, functional, and spatial information, amino acid conservation, physicochemical variation, residue mobility, and thermodynamic stability) performed at Invitae indicates that this missense variant is not expected to disrupt PTCH1 protein function.

NM_000264.5(PTCH1):c.1391A>T (p.Lys464Met)

Gene: PTCH1 (patched 1; minus strand). Cytogenetic location: 9q22.32.
Variant type: single nucleotide variant.
Coding change: c.1391A>T on transcript NM_000264.5 (MANE Select); coding-DNA position 1391, A replaced by T.
Protein change: p.Lys464Met; replaces lysine 464 with methionine.
Molecular consequence: missense variant. On other transcripts: non-coding transcript variant (1), intron variant (1).
Genome position (GRCh38, 1-based): chr9:95,477,659, T>A on the plus strand (A>T on the coding strand, the complement: PTCH1 is on the minus strand). VCF-style: chr9-95477659-T-A. GRCh37 (hg19) VCF-style: chr9-98239941-T-A.
Other names: c.1193A>T, p.Lys398Met (NM_001083602.3); c.1388A>T, p.Lys463Met (NM_001083603.3); c.938A>T, p.Lys313Met (NM_001083604.3, NM_001083605.3, NM_001083606.3 and 1 more transcripts); c.1347+396A>T (NM_001354918.2); short protein forms K313M, K464M, K398M, K463M.
Identifiers: ClinVar variation 2857516 (VCV002857516.3), dbSNP rs756171491, ClinGen allele CA374118593.